The following is an entry in ClinVar:

NM_001370259.2(MEN1):c.53A>T (p.Asp18Val)

Gene: MEN1 (menin 1; minus strand). Cytogenetic location: 11q13.1.
Variant type: single nucleotide variant.
Coding change: c.53A>T on transcript NM_001370259.2 (MANE Select); coding-DNA position 53, A replaced by T.
Protein change: p.Asp18Val; replaces aspartic acid 18 with valine.
Molecular consequence: missense variant. On other transcripts: non-coding transcript variant (4).
Genome position (GRCh38, 1-based): chr11:64,810,057, T>A on the plus strand (A>T on the coding strand, the complement: MEN1 is on the minus strand). VCF-style: chr11-64810057-T-A. GRCh37 (hg19) VCF-style: chr11-64577529-T-A.
Other names: c.53A>T, p.Asp18Val (NM_000244.4, NM_001370251.2, NM_001370260.2 and 20 more transcripts); short protein forms D18V.
Identifiers: ClinVar variation 3229103 (VCV003229103.1), dbSNP rs2136195565, ClinGen allele CA381188147.

ClinVar aggregate classification (germline): Uncertain significance (1 of 4 stars; one submission).

Conditions:
Hereditary cancer-predisposing syndrome. Also called: Neoplastic Syndromes, Hereditary; Tumor predisposition; Hereditary neoplastic syndrome; Hereditary Cancer Syndrome. Identifiers: Orphanet 140162, MedGen C0027672, MeSH D009386, MONDO:0015356.

Submission:

Ambry Genetics
Classification: Uncertain significance for Hereditary cancer-predisposing syndrome. Last evaluated: 2023-09-28. Review status: criteria provided, single submitter. Criteria: Ambry Variant Classification Scheme 2023. Collection method: clinical testing. Allele origin: germline.
Comment: The p.D18V variant (also known as c.53A>T), located in coding exon 1 of the MEN1 gene, results from an A to T substitution at nucleotide position 53. The aspartic acid at codon 18 is replaced by valine, an amino acid with highly dissimilar properties. This amino acid position is conserved. In addition, this alteration is predicted to be deleterious by in silico analysis. Since supporting evidence is limited at this time, the clinical significance of this alteration remains unclear.